The following is an entry in ClinVar:

ClinVar aggregate classification (germline): Conflicting classifications of pathogenicity. Review status: criteria provided, conflicting classifications (1 of 4 stars). 2 submissions from 2 submitters: Uncertain significance (1); Likely benign (1). Last evaluated 2025-09-09.

Conditions:
Cardiovascular phenotype. Identifiers: MedGen CN230736.
Familial hypobetalipoproteinemia 1. Also called: Hypobetalipoproteinemia, normotriglyceridemic; Acanthocytosis with hypobetalipoproteinemia; APOB-Related Familial Hypobetalipoproteinemia. Identifiers: MedGen C4551990, MONDO:0014252, OMIM 615558.
Hypercholesterolemia, autosomal dominant, type B (FHCL2). Also called: Familial Hypercholesterolemia Type B; APOLIPOPROTEIN B-100, FAMILIAL DEFECTIVE; APOLIPOPROTEIN B-100, FAMILIAL LIGAND-DEFECTIVE; HYPERCHOLESTEROLEMIA, FAMILIAL, DUE TO LIGAND-DEFECTIVE APOLIPOPROTEIN B; Familial hypercholesterolemia 2; APOB-Related Familial Hypercholesterolemia, Autosomal Dominant. Identifiers: MedGen C1704417, MONDO:0007751, OMIM 144010.

Allele frequency attached by ClinVar (database versions not stated): gnomAD exomes 0.00005 and 0.00003; gnomAD 0.00006 and 0.00005; ESP Exome Variant Server 0.00023; ExAC 0.00002; TOPMed 0.00004.
gnomAD v4.1: 72 of 1,614,050 alleles (0.0045%); highest among the groups gnomAD compares: Non-Finnish European, 0.0059%; no homozygotes.

Submissions (2):

Labcorp Genetics (formerly Invitae), Labcorp
Classification: Likely benign for Familial hypobetalipoproteinemia 1; Hypercholesterolemia, autosomal dominant, type B. Last evaluated: 2025-09-09. Review status: criteria provided, single submitter. Criteria: Invitae Variant Classification Sherloc (09022015). Collection method: clinical testing. Allele origin: germline.

Ambry Genetics
Classification: Uncertain significance for Cardiovascular phenotype. Last evaluated: 2024-08-19. Review status: criteria provided, single submitter. Criteria: Ambry Variant Classification Scheme 2023. Collection method: clinical testing. Allele origin: germline.
Comment: The p.Q2765R variant (also known as c.8294A>G), located in coding exon 26 of the APOB gene, results from an A to G substitution at nucleotide position 8294. The glutamine at codon 2765 is replaced by arginine, an amino acid with highly similar properties. This amino acid position is not well conserved in available vertebrate species. In addition, this alteration is predicted to be tolerated by in silico analysis. Since supporting evidence is limited at this time, the clinical significance of this alteration remains unclear.

NM_000384.3(APOB):c.8294A>G (p.Gln2765Arg)

Gene: APOB (apolipoprotein B; minus strand). Cytogenetic location: 2p24.1.
Variant type: single nucleotide variant.
Coding change: c.8294A>G on transcript NM_000384.3 (MANE Select); coding-DNA position 8294, A replaced by G.
Protein change: p.Gln2765Arg; replaces glutamine 2765 with arginine.
Molecular consequence: missense variant.
Genome position (GRCh38, 1-based): chr2:21,008,574, T>C on the plus strand (A>G on the coding strand, the complement: APOB is on the minus strand). VCF-style: chr2-21008574-T-C. GRCh37 (hg19) VCF-style: chr2-21231446-T-C.
Other names: short protein forms Q2765R.
Identifiers: ClinVar variation 658092 (VCV000658092.14), dbSNP rs142796181, ClinGen allele CA065492.